The following is an entry in ClinVar:

ClinVar aggregate classification (germline): Uncertain significance (1 of 4 stars; one submission).

Submission:

GeneDx
Classification: Uncertain significance. Last evaluated: 2024-03-23. Review status: criteria provided, single submitter. Criteria: GeneDx Variant Classification Process June 2021. Collection method: clinical testing. Allele origin: germline. Affected: yes.
Comment: Not observed at significant frequency in large population cohorts (gnomAD); In silico analysis supports that this missense variant does not alter protein structure/function; Has not been previously published as pathogenic or benign to our knowledge

NM_002267.4(KPNA3):c.832C>G (p.Gln278Glu)

Gene: KPNA3 (karyopherin subunit alpha 3; minus strand). Cytogenetic location: 13q14.2.
Variant type: single nucleotide variant.
Coding change: c.832C>G on transcript NM_002267.4 (MANE Select); coding-DNA position 832, C replaced by G.
Protein change: p.Gln278Glu; replaces glutamine 278 with glutamic acid.
Molecular consequence: missense variant.
Genome position (GRCh38, 1-based): chr13:49,710,962, G>C on the plus strand (C>G on the coding strand, the complement: KPNA3 is on the minus strand). VCF-style: chr13-49710962-G-C. GRCh37 (hg19) VCF-style: chr13-50285098-G-C.
Other names: short protein forms Q278E.
Identifiers: ClinVar variation 3371166 (VCV003371166.1).
Genomic context (GRCh38, chr13:49,710,962, plus strand): 5'-CTTCCTGATGGCTCAGAAGGGGCACAAGAAAGGGCACAACTCCTGAATCAATAACCATCT[G>C]TATCTGTTCATTACCTCCATCTGTCAAGTATGACAGAGCCCAAACAGTGTCTACAAGAAT-3'
Protein context (NP_002258.2, residues 268-288): YLTDGGNEQI[Gln278Glu]MVIDSGVVPF